The following is an entry in ClinVar:

NM_000264.5(PTCH1):c.218G>C (p.Arg73Pro)

Gene: PTCH1 (patched 1; minus strand). Cytogenetic location: 9q22.32.
Variant type: single nucleotide variant.
Coding change: c.218G>C on transcript NM_000264.5 (MANE Select); coding-DNA position 218, G replaced by C.
Protein change: p.Arg73Pro; replaces arginine 73 with proline.
Molecular consequence: missense variant. On other transcripts: 5 prime UTR variant (4), non-coding transcript variant (1).
Genome position (GRCh38, 1-based): chr9:95,506,583, C>G on the plus strand (G>C on the coding strand, the complement: PTCH1 is on the minus strand). VCF-style: chr9-95506583-C-G. GRCh37 (hg19) VCF-style: chr9-98268865-C-G.
Other names: c.20G>C, p.Arg7Pro (NM_001083602.3, NM_001354919.2); c.215G>C, p.Arg72Pro (NM_001083603.3); c.-236G>C (NM_001083604.3, NM_001083605.3, NM_001083606.3 and 1 more transcripts); c.218G>C, p.Arg73Pro (NM_001354918.2); short protein forms R73P, R7P, R72P.
Identifiers: ClinVar variation 2626247 (VCV002626247.2), dbSNP rs2538384958, ClinGen allele CA374120716.

ClinVar aggregate classification (germline): Uncertain significance (1 of 4 stars; one submission).

Conditions:
Hereditary cancer-predisposing syndrome. Also called: Tumor predisposition; Hereditary Cancer Syndrome; Hereditary neoplastic syndrome; Neoplastic Syndromes, Hereditary. Identifiers: Orphanet 140162, MedGen C0027672, MeSH D009386, MONDO:0015356.

Submission:

Ambry Genetics
Classification: Uncertain significance for Hereditary cancer-predisposing syndrome. Last evaluated: 2023-09-08. Review status: criteria provided, single submitter. Criteria: Ambry Variant Classification Scheme 2023. Collection method: clinical testing. Allele origin: germline.
Comment: The p.R73P variant (also known as c.218G>C), located in coding exon 2 of the PTCH1 gene, results from a G to C substitution at nucleotide position 218. The arginine at codon 73 is replaced by proline, an amino acid with dissimilar properties. This amino acid position is conserved. In addition, this alteration is predicted to be deleterious by in silico analysis. Since supporting evidence is limited at this time, the clinical significance of this alteration remains unclear.